The following is an entry in ClinVar:

NM_003482.4(KMT2D):c.6782C>T (p.Pro2261Leu)

Gene: KMT2D (lysine methyltransferase 2D; minus strand). Cytogenetic location: 12q13.12.
Variant type: single nucleotide variant.
Coding change: c.6782C>T on transcript NM_003482.4 (MANE Select); coding-DNA position 6782, C replaced by T.
Protein change: p.Pro2261Leu; replaces proline 2261 with leucine.
Molecular consequence: missense variant.
Genome position (GRCh38, 1-based): chr12:49,040,988, G>A on the plus strand (C>T on the coding strand, the complement: KMT2D is on the minus strand). VCF-style: chr12-49040988-G-A. GRCh37 (hg19) VCF-style: chr12-49434771-G-A.
Other names: short protein forms P2261L.
Identifiers: ClinVar variation 3370632 (VCV003370632.1).

ClinVar aggregate classification (germline): Uncertain significance (1 of 4 stars; one submission).

Submission:

GeneDx
Classification: Uncertain significance. Last evaluated: 2024-03-11. Review status: criteria provided, single submitter. Criteria: GeneDx Variant Classification Process June 2021. Collection method: clinical testing. Allele origin: germline. Affected: yes.
Comment: Not observed at significant frequency in large population cohorts (gnomAD); In silico analysis supports that this missense variant has a deleterious effect on protein structure/function; Has not been previously published as pathogenic or benign to our knowledge